The following is an entry in ClinVar:

NM_001363118.2(SLC52A2):c.297G>C (p.Trp99Cys)

Gene: SLC52A2 (solute carrier family 52 member 2; plus strand). Cytogenetic location: 8q24.3.
Variant type: single nucleotide variant.
Coding change: c.297G>C on transcript NM_001363118.2 (MANE Select); coding-DNA position 297, G replaced by C.
Protein change: p.Trp99Cys; replaces tryptophan 99 with cysteine.
Molecular consequence: missense variant. On other transcripts: non-coding transcript variant (1), intron variant (1).
Genome position (GRCh38, 1-based): chr8:144,359,789, G>C. VCF-style: chr8-144359789-G-C. GRCh37 (hg19) VCF-style: chr8-145583449-G-C.
Other names: c.297G>C, p.Trp99Cys (NM_001253815.2, NM_001253816.2, NM_001363120.2 and 2 more transcripts); c.131-326G>C (NM_001363122.2); short protein forms W99C.
Identifiers: ClinVar variation 549671 (VCV000549671.8), dbSNP rs782591841, ClinGen allele CA4938159.

ClinVar aggregate classification (germline): Uncertain significance. Review status: criteria provided, multiple submitters, no conflicts (2 of 4 stars). 3 submissions from 3 submitters: Uncertain significance (2). 1 of the submissions does not count toward it. Last evaluated 2025-09-26.

Conditions:
Brown-Vialetto-van Laere syndrome 2. Also called: Riboflavin transporter deficiency type 2; SPINOCEREBELLAR ATAXIA WITH BLINDNESS AND DEAFNESS 2. Identifiers: Orphanet 572543, Orphanet 97229, MedGen C3553538, MONDO:0013867, OMIM 614707.
Inborn genetic diseases. Identifiers: MedGen C0950123, MeSH D030342.

Allele frequency attached by ClinVar (database versions not stated): TOPMed 0.00002; gnomAD exomes 0.00004 and 0.00005; ExAC 0.00003; gnomAD 0.00002.
gnomAD v4.1: 70 of 1,613,588 alleles (0.0043%); highest among the groups gnomAD compares: South Asian, 0.036%; 1 homozygote.

Submissions (3):

Ambry Genetics
Classification: Uncertain significance for Inborn genetic diseases. Last evaluated: 2025-09-26. Review status: criteria provided, single submitter. Criteria: Ambry Variant Classification Scheme 2023. Collection method: clinical testing. Allele origin: germline.

Labcorp Genetics (formerly Invitae), Labcorp
Classification: Uncertain significance for Brown-Vialetto-van Laere syndrome 2. Last evaluated: 2022-02-03. Review status: criteria provided, single submitter. Criteria: Invitae Variant Classification Sherloc (09022015). Collection method: clinical testing. Allele origin: germline.
Comment: This sequence change replaces tryptophan, which is neutral and slightly polar, with cysteine, which is neutral and slightly polar, at codon 99 of the SLC52A2 protein (p.Trp99Cys). This variant is present in population databases (rs782591841, gnomAD 0.02%). This missense change has been observed in individual(s) with Brown-Vialetto-Van Laere syndrome (PMID: 29858556). ClinVar contains an entry for this variant (Variation ID: 549671). Advanced modeling of protein sequence and biophysical properties (such as structural, functional, and spatial information, amino acid conservation, physicochemical variation, residue mobility, and thermodynamic stability) performed at Invitae indicates that this missense variant is expected to disrupt SLC52A2 protein function. In summary, the available evidence is currently insufficient to determine the role of this variant in disease. Therefore, it has been classified as a Variant of Uncertain Significance.

Institute of Human Genetics, Cologne University
Classification: Pathogenic for Brown-Vialetto-van Laere syndrome 2. Last evaluated: 2018-04-25. Review status: no assertion criteria provided. Collection method: clinical testing. Allele origin: germline. Affected: yes. Not counted in ClinVar's aggregate classification.

Literature cited by the submitters: PubMed 29858556 (cited by Labcorp Genetics (formerly Invitae), Labcorp).